The following is an entry in ClinVar:

ClinVar aggregate classification (germline): Uncertain significance. Review status: criteria provided, multiple submitters, no conflicts (2 of 4 stars). 2 submissions from 2 submitters: Uncertain significance (2). Last evaluated 2025-12-29.

Conditions:
Peroxisome biogenesis disorder. Identifiers: Orphanet 79189, MedGen C1832200, MONDO:0019234. Disease mechanism: loss of function.
PEX16-related disorder. Also called: PEX16-related condition.

Allele frequency attached by ClinVar (database versions not stated): gnomAD 0.00001 and 0.00006; TOPMed 0.00002; gnomAD exomes 0.00005; ExAC 0.00008; 1000 Genomes Project 30x 0.00078; 1000 Genomes Project 0.00080.

Submissions (2):

Labcorp Genetics (formerly Invitae), Labcorp
Classification: Uncertain significance for Peroxisome biogenesis disorder. Last evaluated: 2025-12-29. Review status: criteria provided, single submitter. Criteria: Invitae Variant Classification Sherloc (09022015). Collection method: clinical testing. Allele origin: germline.
Comment: This sequence change replaces arginine, which is basic and polar, with tryptophan, which is neutral and slightly polar, at codon 195 of the PEX16 protein (p.Arg195Trp). The frequency data for this variant in the population databases is considered unreliable, as metrics indicate poor data quality at this position in the gnomAD database. This variant has not been reported in the literature in individuals affected with PEX16-related conditions. ClinVar contains an entry for this variant (Variation ID: 941051). Invitae Evidence Modeling of protein sequence and biophysical properties (such as structural, functional, and spatial information, amino acid conservation, physicochemical variation, residue mobility, and thermodynamic stability) indicates that this missense variant is not expected to disrupt PEX16 protein function with a negative predictive value of 80%. In summary, the available evidence is currently insufficient to determine the role of this variant in disease. Therefore, it has been classified as a Variant of Uncertain Significance.

PreventionGenetics, part of Exact Sciences
Classification: Uncertain significance for PEX16-related condition. Last evaluated: 2024-12-05. Review status: criteria provided, single submitter. Criteria: ACMG Guidelines, 2015. Collection method: clinical testing. Allele origin: germline.
Comment: The PEX16 c.583C>T variant is predicted to result in the amino acid substitution p.Arg195Trp. To our knowledge, this variant has not been reported in the literature. This variant is reported in 0.023% of alleles in individuals of South Asian descent in gnomAD. At this time, the clinical significance of this variant is uncertain due to the absence of conclusive functional and genetic evidence.

NM_004813.4(PEX16):c.583C>T (p.Arg195Trp)

Gene: PEX16 (peroxisomal biogenesis factor 16; minus strand). Cytogenetic location: 11p11.2.
Variant type: single nucleotide variant.
Coding change: c.583C>T on transcript NM_004813.4 (MANE Select); coding-DNA position 583, C replaced by T.
Protein change: p.Arg195Trp; replaces arginine 195 with tryptophan.
Molecular consequence: missense variant.
Genome position (GRCh38, 1-based): chr11:45,914,427, G>A on the plus strand (C>T on the coding strand, the complement: PEX16 is on the minus strand). VCF-style: chr11-45914427-G-A. GRCh37 (hg19) VCF-style: chr11-45935978-G-A.
Other names: c.583C>T, p.Arg195Trp (NM_057174.3); short protein forms R195W.
Identifiers: ClinVar variation 941051 (VCV000941051.7), dbSNP rs557365860, ClinGen allele CA5959915.